The following is an entry in ClinVar:

ClinVar aggregate classification (germline): Pathogenic (1 of 4 stars; one submission).

Submission:

Labcorp Genetics (formerly Invitae), Labcorp
Classification: Pathogenic. Last evaluated: 2021-11-22. Review status: criteria provided, single submitter. Criteria: Invitae Variant Classification Sherloc (09022015). Collection method: clinical testing. Allele origin: germline.
Comment: This variant is a gross deletion of the genomic region encompassing exon(s) 21 of the LRP5 gene. This deletion is out-of-frame, and is expected to create a premature termination codon and result in an absent or disrupted protein product. Loss-of-function variants in LRP5 are known to be pathogenic (PMID: 11719191, 16252235, 25711638). For these reasons, this variant has been classified as Pathogenic. This variant has not been reported in the literature in individuals affected with LRP5-related conditions.

Literature cited by the submitters: PubMed 11719191; PubMed 16252235; PubMed 25711638.

NC_000011.9:g.(?_68207225)_(68207404_?)del

Gene: LRP5 (LDL receptor related protein 5; plus strand). Cytogenetic location: 11q13.2.
Variant type: Deletion.
Identifiers: ClinVar variation 2424408 (VCV002424408.4).